The following is an entry in ClinVar:

NM_006790.3(MYOT):c.654G>A (p.Ala218=)

Genes: MYOT (myotilin; plus strand), PKD2L2-DT (PKD2L2 divergent transcript; minus strand). Cytogenetic location: 5q31.2.
Variant type: single nucleotide variant.
Coding change: c.654G>A on transcript NM_006790.3 (MANE Select); coding-DNA position 654, G replaced by A.
Protein change: p.Ala218=; no amino-acid change (alanine 218 retained).
Molecular consequence: synonymous variant.
Genome position (GRCh38, 1-based): chr5:137,880,836, G>A. VCF-style: chr5-137880836-G-A. GRCh37 (hg19) VCF-style: chr5-137216525-G-A.
Other names: c.102G>A, p.Ala34= (NM_001135940.2); c.309G>A, p.Ala103= (NM_001300911.2).
Identifiers: ClinVar variation 705173 (VCV000705173.13), dbSNP rs142477496, ClinGen allele CA3422997.

ClinVar aggregate classification (germline): Likely benign. Review status: criteria provided, multiple submitters, no conflicts (2 of 4 stars). 3 submissions from 3 submitters: Likely benign (2). 1 of the submissions does not count toward it. Last evaluated 2025-12-01.

Conditions:
MYOT-related disorder. Also called: MYOT-related condition.
Myofibrillar myopathy 3 (MFM3). Also called: Muscular dystrophy, proximal, type 1A; Autosomal dominant spheroid body myopathy. Identifiers: Orphanet 266, Orphanet 268129, MedGen C3714934, MONDO:0012215, OMIM 609200.

Allele frequency attached by ClinVar (database versions not stated): gnomAD 0.00001; TOPMed 0.00001; gnomAD exomes 0.00005 and 0.00008; ExAC 0.00007; ESP Exome Variant Server 0.00008.

Submissions (3):

Labcorp Genetics (formerly Invitae), Labcorp
Classification: Likely benign for Myofibrillar myopathy 3. Last evaluated: 2025-12-01. Review status: criteria provided, single submitter. Criteria: Invitae Variant Classification Sherloc (09022015). Collection method: clinical testing. Allele origin: germline.

Blueprint Genetics
Classification: Likely benign. Last evaluated: 2023-08-29. Review status: criteria provided, single submitter. Criteria: ACMG Guidelines, 2015. Collection method: clinical testing. Allele origin: germline.

PreventionGenetics, part of Exact Sciences
Classification: Likely benign for MYOT-related condition. Last evaluated: 2019-02-19. Review status: no assertion criteria provided. Collection method: clinical testing. Allele origin: germline. Not counted in ClinVar's aggregate classification.
Comment: This variant is classified as likely benign based on ACMG/AMP sequence variant interpretation guidelines (Richards et al. 2015 PMID: 25741868, with internal and published modifications).